The following is an entry in ClinVar:

ClinVar aggregate classification (germline): Uncertain significance (1 of 4 stars; one submission).

Submission:

Ambry Genetics
Classification: Uncertain significance. Last evaluated: 2025-11-11. Review status: criteria provided, single submitter. Criteria: Ambry Variant Classification Scheme 2023. Collection method: clinical testing. Allele origin: germline.
Comment: The p.Q8H variant (also known as c.24A>C), located in coding exon 1 of the GEN1 gene, results from an A to C substitution at nucleotide position 24. The glutamine at codon 8 is replaced by histidine, an amino acid with highly similar properties. This amino acid position is conserved. In addition, this alteration is predicted to be tolerated by in silico analysis. Based on the available evidence, the clinical significance of this variant remains unclear.

NM_001130009.3(GEN1):c.24A>C (p.Gln8His)

Gene: GEN1 (GEN1 structure-specific endonuclease; plus strand). Cytogenetic location: 2p24.2.
Variant type: single nucleotide variant.
Coding change: c.24A>C on transcript NM_001130009.3 (MANE Select); coding-DNA position 24, A replaced by C.
Protein change: p.Gln8His; replaces glutamine 8 with histidine.
Molecular consequence: missense variant.
Genome position (GRCh38, 1-based): chr2:17,759,967, A>C. VCF-style: chr2-17759967-A-C. GRCh37 (hg19) VCF-style: chr2-17941234-A-C.
Other names: c.24A>C, p.Gln8His (NM_182625.5); short protein forms Q8H.
Identifiers: ClinVar variation 4263145 (VCV004263145.2).